The following is an entry in ClinVar:

NM_000285.4(PEPD):c.17+2T>G

Gene: PEPD (peptidase D; minus strand). Cytogenetic location: 19q13.11.
Variant type: single nucleotide variant.
Coding change: c.17+2T>G on transcript NM_000285.4 (MANE Select); the canonical splice donor site of the intron after coding-DNA position 17, T replaced by G.
Molecular consequence: splice donor variant.
Genome position (GRCh38, 1-based): chr19:33,521,742, A>C on the plus strand (T>G on the coding strand, the complement: PEPD is on the minus strand). VCF-style: chr19-33521742-A-C. GRCh37 (hg19) VCF-style: chr19-34012648-A-C.
Other names: c.17+2T>G (NM_001166057.2, NM_001166056.2).
Identifiers: ClinVar variation 3013195 (VCV003013195.3), dbSNP rs1343296636, ClinGen allele CA405234639.

ClinVar aggregate classification (germline): Likely pathogenic (1 of 4 stars; one submission).

gnomAD v4.1: 1 of 1,573,260 alleles (0.000064%); highest among the groups gnomAD compares: Non-Finnish European, 0.000086%; no homozygotes.

Submission:

Labcorp Genetics (formerly Invitae), Labcorp
Classification: Likely pathogenic. Last evaluated: 2023-01-21. Review status: criteria provided, single submitter. Criteria: Invitae Variant Classification Sherloc (09022015). Collection method: clinical testing. Allele origin: germline.
Comment: Algorithms developed to predict the effect of sequence changes on RNA splicing suggest that this variant may disrupt the consensus splice site. In summary, the currently available evidence indicates that the variant is pathogenic, but additional data are needed to prove that conclusively. Therefore, this variant has been classified as Likely Pathogenic. This variant has not been reported in the literature in individuals affected with PEPD-related conditions. This variant is not present in population databases (gnomAD no frequency). This sequence change affects a donor splice site in intron 1 of the PEPD gene. It is expected to disrupt RNA splicing. Variants that disrupt the donor or acceptor splice site typically lead to a loss of protein function (PMID: 16199547), and loss-of-function variants in PEPD are known to be pathogenic (PMID: 8198124, 10721675, 12384772, 17142620).

Literature cited by the submitters: PubMed 16199547; PubMed 8198124; PubMed 10721675; PubMed 12384772; PubMed 17142620.